The following is an entry in ClinVar:

NM_002834.5(PTPN11):c.913A>G (p.Ile305Val)

Gene: PTPN11 (protein tyrosine phosphatase non-receptor type 11; plus strand). Cytogenetic location: 12q24.13.
Variant type: single nucleotide variant.
Coding change: c.913A>G on transcript NM_002834.5 (MANE Select); coding-DNA position 913, A replaced by G.
Protein change: p.Ile305Val; replaces isoleucine 305 with valine.
Molecular consequence: missense variant.
Genome position (GRCh38, 1-based): chr12:112,477,710, A>G. VCF-style: chr12-112477710-A-G. GRCh37 (hg19) VCF-style: chr12-112915514-A-G.
Other names: p.I305V:ATC>GTC; c.913A>G, p.Ile305Val (NM_001330437.2, NM_080601.3); c.910A>G, p.Ile304Val (NM_001374625.1); short protein forms I305V, I304V.
Identifiers: ClinVar variation 181504 (VCV000181504.2), dbSNP rs730880995, ClinGen allele CA297100.

ClinVar aggregate classification (germline): Uncertain significance (1 of 4 stars; one submission).

Allele frequency attached by ClinVar (database versions not stated): gnomAD exomes below 0.00001.
gnomAD v4.1: 1 of 1,612,768 alleles (0.000062%); highest among the groups gnomAD compares: Non-Finnish European, 0.000085%; no homozygotes.

Submission:

GeneDx
Classification: Uncertain significance. Last evaluated: 2014-10-29. Review status: criteria provided, single submitter. Criteria: GeneDx Variant Classification (06012015). Collection method: clinical testing. Allele origin: germline. Affected: yes.
Comment: The I305V variant has not been published as a mutation or as a benign polymorphism to our knowledge. The I305V variant was not observed in approximately 6,500 individuals of European and African American ancestry in the NHLBI Exome Sequencing Project, indicating it is not a common benign variant in these populations. This substitution occurs at a position that is conserved across species. Additionally, in silico analysis predicts this variant is probably damaging to the protein structure/function. Furthermore, missense mutations in nearby residues (N308D, N308S, N308T, I309V) have been reported in association with Noonan syndrome, supporting the functional importance of this region of the protein. However, the I305V variant is a conservative amino acid substitution, which is not likely to impact secondary protein structure as these residues share similar properties. Therefore, based on the currently available information, it is unclear whether this variant is a pathogenic mutation or a rare benign variant. The variant is found in CARDIOMYOPATHY panel(s).